The following is an entry in ClinVar:

ClinVar aggregate classification (germline): Uncertain significance (1 of 4 stars; one submission).

Conditions:
Early-infantile DEE. Also called: Ohtahara syndrome; Early infantile epileptic encephalopathy; Early infantile epileptic encephalopathy with suppression bursts. Identifiers: Orphanet 1934, MedGen C0393706, MONDO:0800491.

Allele frequency attached by ClinVar (database versions not stated): gnomAD 0.00001.
gnomAD v4.1: 2 of 1,614,026 alleles (0.00012%); no homozygotes.

Submission:

Labcorp Genetics (formerly Invitae), Labcorp
Classification: Uncertain significance for Early-infantile DEE. Last evaluated: 2025-04-23. Review status: criteria provided, single submitter. Criteria: Invitae Variant Classification Sherloc (09022015). Collection method: clinical testing. Allele origin: germline.
Comment: This sequence change replaces arginine, which is basic and polar, with tryptophan, which is neutral and slightly polar, at codon 1452 of the SPTAN1 protein (p.Arg1452Trp). This variant is present in population databases (no rsID available, gnomAD 0.01%). This variant has not been reported in the literature in individuals affected with SPTAN1-related conditions. ClinVar contains an entry for this variant (Variation ID: 1936147). Invitae Evidence Modeling of protein sequence and biophysical properties (such as structural, functional, and spatial information, amino acid conservation, physicochemical variation, residue mobility, and thermodynamic stability) has been performed for this missense variant. However, the output from this modeling did not meet the statistical confidence thresholds required to predict the impact of this variant on SPTAN1 protein function. In summary, the available evidence is currently insufficient to determine the role of this variant in disease. Therefore, it has been classified as a Variant of Uncertain Significance.

NM_001130438.3(SPTAN1):c.4354C>T (p.Arg1452Trp)

Gene: SPTAN1 (spectrin alpha, non-erythrocytic 1; plus strand). Cytogenetic location: 9q34.11.
Variant type: single nucleotide variant.
Coding change: c.4354C>T on transcript NM_001130438.3 (MANE Select); coding-DNA position 4354, C replaced by T.
Protein change: p.Arg1452Trp; replaces arginine 1452 with tryptophan.
Molecular consequence: missense variant.
Genome position (GRCh38, 1-based): chr9:128,608,139, C>T. VCF-style: chr9-128608139-C-T. GRCh37 (hg19) VCF-style: chr9-131370418-C-T.
Other names: c.4294C>T, p.Arg1432Trp (NM_001195532.2, NM_001363765.2, NM_001375314.2); c.4354C>T, p.Arg1452Trp (NM_001363759.2, NM_001375310.1, NM_001375311.2 and 2 more transcripts); c.4390C>T, p.Arg1464Trp (NM_001375312.2, NM_001375318.1); short protein forms R1432W, R1452W, R1464W.
Identifiers: ClinVar variation 1936147 (VCV001936147.5), dbSNP rs1264844049, ClinGen allele CA375066812.